The following is an entry in ClinVar:

NM_006431.3(CCT2):c.1556A>G (p.Asn519Ser)

Gene: CCT2 (chaperonin containing TCP1 subunit 2; plus strand). Cytogenetic location: 12q15.
Variant type: single nucleotide variant.
Coding change: c.1556A>G on transcript NM_006431.3 (MANE Select); coding-DNA position 1556, A replaced by G.
Protein change: p.Asn519Ser; replaces asparagine 519 with serine.
Molecular consequence: missense variant.
Genome position (GRCh38, 1-based): chr12:69,599,983, A>G. VCF-style: chr12-69599983-A-G. GRCh37 (hg19) VCF-style: chr12-69993763-A-G.
Other names: c.1415A>G, p.Asn472Ser (NM_001198842.2); short protein forms N472S, N519S.
Identifiers: ClinVar variation 1423948 (VCV001423948.6), dbSNP rs375359104, ClinGen allele CA385732142.

ClinVar aggregate classification (germline): Uncertain significance (1 of 4 stars; one submission).

Submission:

Labcorp Genetics (formerly Invitae), Labcorp
Classification: Uncertain significance. Last evaluated: 2021-11-01. Review status: criteria provided, single submitter. Criteria: Invitae Variant Classification Sherloc (09022015). Collection method: clinical testing. Allele origin: germline.
Comment: This variant has not been reported in the literature in individuals affected with CCT2-related conditions. This variant is not present in population databases (gnomAD no frequency). This sequence change replaces asparagine, which is neutral and polar, with serine, which is neutral and polar, at codon 519 of the CCT2 protein (p.Asn519Ser). Algorithms developed to predict the effect of missense changes on protein structure and function are either unavailable or do not agree on the potential impact of this missense change (SIFT: "Deleterious"; PolyPhen-2: "Benign"; Align-GVGD: "Class C15"). In summary, the available evidence is currently insufficient to determine the role of this variant in disease. Therefore, it has been classified as a Variant of Uncertain Significance. Algorithms developed to predict the effect of sequence changes on RNA splicing suggest that this variant may create or strengthen a splice site.